The following is an entry in ClinVar:

NM_000143.4(FH):c.1237-1G>C

Gene: FH (fumarate hydratase; minus strand). Cytogenetic location: 1q43.
Variant type: single nucleotide variant.
Coding change: c.1237-1G>C on transcript NM_000143.4 (MANE Select); the canonical splice acceptor site of the intron before coding-DNA position 1237, G replaced by C.
Molecular consequence: splice acceptor variant.
Genome position (GRCh38, 1-based): chr1:241,500,591, C>G on the plus strand (G>C on the coding strand, the complement: FH is on the minus strand). VCF-style: chr1-241500591-C-G. GRCh37 (hg19) VCF-style: chr1-241663891-C-G.
Identifiers: ClinVar variation 2808808 (VCV002808808.3), dbSNP rs1573878149, ClinGen allele CA345436970.

ClinVar aggregate classification (germline): Likely pathogenic (1 of 4 stars; one submission).

Submission:

Labcorp Genetics (formerly Invitae), Labcorp
Classification: Likely pathogenic. Last evaluated: 2023-02-17. Review status: criteria provided, single submitter. Criteria: Invitae Variant Classification Sherloc (09022015). Collection method: clinical testing. Allele origin: germline.
Comment: This sequence change affects an acceptor splice site in intron 8 of the FH gene. It is expected to disrupt RNA splicing. Variants that disrupt the donor or acceptor splice site typically lead to a loss of protein function (PMID: 16199547), and loss-of-function variants in FH are known to be pathogenic (PMID: 11865300, 21398687). This variant is not present in population databases (gnomAD no frequency). This variant has not been reported in the literature in individuals affected with FH-related conditions. Algorithms developed to predict the effect of sequence changes on RNA splicing suggest that this variant may disrupt the consensus splice site. In summary, the currently available evidence indicates that the variant is pathogenic, but additional data are needed to prove that conclusively. Therefore, this variant has been classified as Likely Pathogenic.

Literature cited by the submitters: PubMed 16199547; PubMed 11865300; PubMed 21398687.